The following is an entry in ClinVar:

ClinVar aggregate classification (germline): Uncertain significance. Review status: criteria provided, multiple submitters, no conflicts (2 of 4 stars). 2 submissions from 2 submitters: Uncertain significance (2). Last evaluated 2025-05-03.

Conditions:
Peroxisome biogenesis disorder 2B (PBD2B). Identifiers: Orphanet 44, MedGen C3550234, MONDO:0008736, OMIM 202370.
Inborn genetic diseases. Identifiers: MedGen C0950123, MeSH D030342.

Allele frequency attached by ClinVar (database versions not stated): gnomAD exomes below 0.00001 and 0.00001; ExAC 0.00001; gnomAD 0.00001; TOPMed 0.00001.
gnomAD v4.1: 17 of 1,614,046 alleles (0.0011%); highest among the groups gnomAD compares: Non-Finnish European, 0.0014%; no homozygotes.

Submissions (2):

Ambry Genetics
Classification: Uncertain significance for Inborn genetic diseases. Last evaluated: 2025-05-03. Review status: criteria provided, single submitter. Criteria: Ambry Variant Classification Scheme 2023. Collection method: clinical testing. Allele origin: germline.

Labcorp Genetics (formerly Invitae), Labcorp
Classification: Uncertain significance for Peroxisome biogenesis disorder 2B. Last evaluated: 2024-01-29. Review status: criteria provided, single submitter. Criteria: Invitae Variant Classification Sherloc (09022015). Collection method: clinical testing. Allele origin: germline.
Comment: This sequence change replaces leucine, which is neutral and non-polar, with valine, which is neutral and non-polar, at codon 611 of the PEX5 protein (p.Leu611Val). This variant is present in population databases (rs200266963, gnomAD 0.0009%). This variant has not been reported in the literature in individuals affected with PEX5-related conditions. ClinVar contains an entry for this variant (Variation ID: 1402487). Advanced modeling of protein sequence and biophysical properties (such as structural, functional, and spatial information, amino acid conservation, physicochemical variation, residue mobility, and thermodynamic stability) performed at Invitae indicates that this missense variant is not expected to disrupt PEX5 protein function with a negative predictive value of 80%. In summary, the available evidence is currently insufficient to determine the role of this variant in disease. Therefore, it has been classified as a Variant of Uncertain Significance.

NM_001351132.2(PEX5):c.1831T>G (p.Leu611Val)

Gene: PEX5 (peroxisomal biogenesis factor 5; plus strand). Cytogenetic location: 12p13.31.
Variant type: single nucleotide variant.
Coding change: c.1831T>G on transcript NM_001351132.2 (MANE Select); coding-DNA position 1831, T replaced by G.
Protein change: p.Leu611Val; replaces leucine 611 with valine.
Molecular consequence: missense variant.
Genome position (GRCh38, 1-based): chr12:7,210,134, T>G. VCF-style: chr12-7210134-T-G. GRCh37 (hg19) VCF-style: chr12-7362730-T-G.
Other names: c.1807T>G, p.Leu603Val (NM_000319.5); c.1876T>G, p.Leu626Val (NM_001131023.2); c.1720T>G, p.Leu574Val (NM_001131024.2, NM_001351124.3, NM_001351126.2 and 7 more transcripts); c.1831T>G, p.Leu611Val (NM_001131025.2, NM_001131026.2, NM_001300789.3 and 4 more transcripts); c.1765T>G, p.Leu589Val (NM_001351135.3, NM_001351138.2); c.1822T>G, p.Leu608Val (NM_001351136.2); c.1696T>G, p.Leu566Val (NM_001351139.2, NM_001351140.2, NM_001374649.2); c.1831T>G (NM_001131025.1); short protein forms L603V, L611V, L574V, L608V, L626V, L566V, L589V.
Identifiers: ClinVar variation 1402487 (VCV001402487.8), dbSNP rs200266963, ClinGen allele CA6426598.